The following is an entry in ClinVar:

ClinVar aggregate classification (germline): Uncertain significance (1 of 4 stars; one submission).

Conditions:
Autosomal recessive distal spinal muscular atrophy 1. Also called: NEURONOPATHY, SEVERE INFANTILE AXONAL, WITH RESPIRATORY FAILURE; SEVERE INFANTILE AXONAL NEUROPATHY WITH RESPIRATORY FAILURE; NEURONOPATHY, DISTAL HEREDITARY MOTOR, HARDING TYPE VI; NEUROPATHY, DISTAL HEREDITARY MOTOR, AUTOSOMAL RECESSIVE 1; SPINAL MUSCULAR ATROPHY, DIAPHRAGMATIC; Spinal muscular atrophy with respiratory distress 1. Identifiers: Orphanet 98920, MedGen C1858517, MONDO:0011436, OMIM 604320.
Charcot-Marie-Tooth disease axonal type 2S. Also called: CHARCOT-MARIE-TOOTH NEUROPATHY, TYPE 2S; CHARCOT-MARIE-TOOTH DISEASE, AXONAL, AUTOSOMAL RECESSIVE, TYPE 2S. Identifiers: Orphanet 443073, MedGen C4015349, MONDO:0014511, OMIM 616155.

Submission:

Labcorp Genetics (formerly Invitae), Labcorp
Classification: Uncertain significance for Autosomal recessive distal spinal muscular atrophy 1; Charcot-Marie-Tooth disease axonal type 2S. Last evaluated: 2021-12-11. Review status: criteria provided, single submitter. Criteria: Invitae Variant Classification Sherloc (09022015). Collection method: clinical testing. Allele origin: germline.
Comment: This sequence change replaces asparagine, which is neutral and polar, with threonine, which is neutral and polar, at codon 245 of the IGHMBP2 protein (p.Asn245Thr). This variant is not present in population databases (gnomAD no frequency). This variant has not been reported in the literature in individuals affected with IGHMBP2-related conditions. ClinVar contains an entry for this variant (Variation ID: 949567). Advanced modeling of protein sequence and biophysical properties (such as structural, functional, and spatial information, amino acid conservation, physicochemical variation, residue mobility, and thermodynamic stability) performed at Invitae indicates that this missense variant is expected to disrupt IGHMBP2 protein function. In summary, the available evidence is currently insufficient to determine the role of this variant in disease. Therefore, it has been classified as a Variant of Uncertain Significance.

NM_002180.3(IGHMBP2):c.734A>C (p.Asn245Thr)

Gene: IGHMBP2 (immunoglobulin mu DNA binding protein 2; plus strand). Cytogenetic location: 11q13.3.
Variant type: single nucleotide variant.
Coding change: c.734A>C on transcript NM_002180.3 (MANE Select); coding-DNA position 734, A replaced by C.
Protein change: p.Asn245Thr; replaces asparagine 245 with threonine.
Molecular consequence: missense variant.
Genome position (GRCh38, 1-based): chr11:68,914,845, A>C. VCF-style: chr11-68914845-A-C. GRCh37 (hg19) VCF-style: chr11-68682313-A-C.
Other names: short protein forms N245T.
Identifiers: ClinVar variation 949567 (VCV000949567.5), dbSNP rs1555243999, ClinGen allele CA381644260.